The following is an entry in ClinVar:

ClinVar aggregate classification (germline): Conflicting classifications of pathogenicity. Review status: criteria provided, conflicting classifications (1 of 4 stars). 12 submissions from 11 submitters: Uncertain significance (1); Benign (4); Likely benign (6). 1 of the submissions does not count toward it. Last evaluated 2026-01-28.

Conditions:
Connective tissue disorder. Also called: Connective tissue disease. Identifiers: MedGen C0009782, MONDO:0003900.
COL11A2-related disorder. Also called: COL11A2-related condition; COL11A2-related disorders.
Autosomal dominant nonsyndromic hearing loss 13. Identifiers: Orphanet 90635, MedGen C1866095, MONDO:0011159, OMIM 601868.
Autosomal recessive nonsyndromic hearing loss 53. Identifiers: Orphanet 90636, MedGen C1864746, MONDO:0012333, OMIM 609706.
Fibrochondrogenesis 2 (FBCG2). Identifiers: Orphanet 2021, MedGen C3281128, MONDO:0013795, OMIM 614524.
Otospondylomegaepiphyseal dysplasia, autosomal recessive (OSMEDB). Also called: Insley-Astley syndrome; CHONDRODYSTROPHY WITH SENSORINEURAL DEAFNESS. Identifiers: Orphanet 1427, MedGen CN034493, MONDO:0044206, OMIM 215150.

Allele frequency attached by ClinVar (database versions not stated): gnomAD 0.00054; ExAC 0.00064; TOPMed 0.00068; 1000 Genomes Project 30x 0.00172; 1000 Genomes Project 0.00180.
gnomAD v4.1: 475 of 1,614,106 alleles (0.029%); highest among the groups gnomAD compares: East Asian, 0.99%; no homozygotes.

Submissions (12):

Labcorp Genetics (formerly Invitae), Labcorp
Classification: Benign. Last evaluated: 2026-01-28. Review status: criteria provided, single submitter. Criteria: Invitae Variant Classification Sherloc (09022015). Collection method: clinical testing. Allele origin: germline.

Women's Health and Genetics/Laboratory Corporation of America, LabCorp
Classification: Likely benign. Last evaluated: 2025-09-05. Review status: criteria provided, single submitter. Criteria: LabCorp Variant Classification Summary - May 2015. Collection method: clinical testing. Allele origin: germline.
Comment: Variant summary: COL11A2 c.688G>T (p.Gly230Trp) results in a non-conservative amino acid change in the encoded protein sequence. Algorithms developed to predict the effect of missense changes on protein structure and function are either unavailable or do not agree on the potential impact of this missense change. The variant allele was found at a frequency of 0.00077 in 251488 control chromosomes, predominantly at a frequency of 0.01 within the East Asian subpopulation in the gnomAD database. Additionally, Allele frequency is 0.01 (i.e. 1232 / 122124 alleles), including 10 homozygotes, in healthy Japanese individuals in the jMorp database [PMID: 33179747]. The observed variant frequency within East Asian control individuals in the gnomAD database exceeds the estimated maximal expected allele frequency for disease-causing variants in COL11A2. To our knowledge, no occurrence of c.688G>T in individuals affected with COL11A2-related conditions and no experimental evidence demonstrating its impact on protein function have been reported. ClinVar contains an entry for this variant (Variation ID: 225318). Based on the evidence outlined above, the variant was classified as likely benign.

Blueprint Genetics
Classification: Likely benign. Last evaluated: 2024-09-30. Review status: criteria provided, single submitter. Criteria: ACMG Guidelines, 2015. Collection method: clinical testing. Allele origin: germline.

CeGaT Center for Human Genetics Tuebingen
Classification: Benign. Last evaluated: 2024-07-01. Review status: criteria provided, single submitter. Criteria: CeGaT Center For Human Genetics Tuebingen Variant Classification Criteria Version 2. Collection method: clinical testing. Allele origin: germline. Affected: yes. Observed: 1 variant allele.
Comment: COL11A2: BS1, BS2

GeneDx
Classification: Likely benign. Last evaluated: 2021-04-07. Review status: criteria provided, single submitter. Criteria: GeneDx Variant Classification Process June 2021. Collection method: clinical testing. Allele origin: germline. Affected: yes.
Comment: This variant is associated with the following publications: (PMID: 30245029, 29072634, 23967202)

Genome Diagnostics Laboratory, The Hospital for Sick Children
Classification: Likely benign for Connective tissue disorder. Last evaluated: 2020-01-01. Review status: criteria provided, single submitter. Criteria: ACMG Guidelines, 2015. Collection method: clinical testing. Allele origin: germline.

Illumina Laboratory Services, Illumina
Classification: Likely benign for Otospondylomegaepiphyseal dysplasia, autosomal recessive. Last evaluated: 2018-01-13. Review status: criteria provided, single submitter. Criteria: ICSL Variant Classification Criteria 13 December 2019. Collection method: clinical testing. Allele origin: germline.
Comment: This variant was observed in the ICSL laboratory as part of a predisposition screen in an ostensibly healthy population. It had not been previously curated by ICSL or reported in the Human Gene Mutation Database (HGMD: prior to June 1st, 2018), and was therefore a candidate for classification through an automated scoring system. Utilizing variant allele frequency, disease prevalence and penetrance estimates, and inheritance mode, an automated score was calculated to assess if this variant is too frequent to cause the disease. Based on the score and internal cut-off values, a variant classified as likely benign is not then subjected to further curation. The score for this variant resulted in a classification of likely benign for this disease.

Illumina Laboratory Services, Illumina
Classification: Likely benign for Fibrochondrogenesis 2. Last evaluated: 2018-01-13. Review status: criteria provided, single submitter. Criteria: ICSL Variant Classification Criteria 13 December 2019. Collection method: clinical testing. Allele origin: germline.
Comment: the same text as in the submission from Illumina Laboratory Services, Illumina above.

Eurofins Ntd Llc (ga)
Classification: Benign. Last evaluated: 2016-08-03. Review status: criteria provided, single submitter. Criteria: EGL Classification Definitions 2015. Collection method: clinical testing. Allele origin: germline. Observed: 1 variant allele, 1 heterozygote.

Soonchunhyang University Bucheon Hospital, Soonchunhyang University Medical Center
Classification: Uncertain significance for Autosomal dominant nonsyndromic hearing loss 13; Autosomal recessive nonsyndromic hearing loss 53. Last evaluated: 2016-03-18. Review status: criteria provided, single submitter. Criteria: ACMG Guidelines, 2015. Collection method: reference population. Allele origin: germline. Observed: 1 variant allele.

Laboratory for Molecular Medicine, Mass General Brigham Personalized Medicine
Classification: Benign. Last evaluated: 2015-04-17. Review status: criteria provided, single submitter. Criteria: LMM Criteria. Collection method: clinical testing. Allele origin: germline. Observed: 2 variant alleles.
Comment: p.Gly230Trp in exon 5A of COL11A2: This variant is not expected to have clinical significance because it has been identified in 0.9% (78/8654) of East Asian chr omosomes by the Exome Aggregation Consortium (ExAC, rg; dbSNP rs141430703).

PreventionGenetics, part of Exact Sciences
Classification: Likely benign for COL11A2-related condition. Last evaluated: 2022-06-13. Review status: no assertion criteria provided. Collection method: clinical testing. Allele origin: germline. Not counted in ClinVar's aggregate classification.
Comment: This variant is classified as likely benign based on ACMG/AMP sequence variant interpretation guidelines (Richards et al. 2015 PMID: 25741868, with internal and published modifications).

Literature cited by the submitters: PubMed 23967202 (cited by Soonchunhyang University Bucheon Hospital, Soonchunhyang University Medical Center).

NM_080680.3(COL11A2):c.688G>T (p.Gly230Trp)

Gene: COL11A2 (collagen type XI alpha 2 chain; minus strand). Cytogenetic location: 6p21.32.
Variant type: single nucleotide variant.
Coding change: c.688G>T on transcript NM_080680.3 (MANE Select); coding-DNA position 688, G replaced by T.
Protein change: p.Gly230Trp; replaces glycine 230 with tryptophan.
Molecular consequence: missense variant.
Genome position (GRCh38, 1-based): chr6:33,186,737, C>A on the plus strand (G>T on the coding strand, the complement: COL11A2 is on the minus strand). VCF-style: chr6-33186737-C-A. GRCh37 (hg19) VCF-style: chr6-33154514-C-A.
Other names: c.688G>T, p.Gly230Trp (NM_001163771.2, NM_080679.3, NM_080681.3); short protein forms G230W.
Identifiers: ClinVar variation 225318 (VCV000225318.44), dbSNP rs141430703, ClinGen allele CA3751596.